The following is an entry in ClinVar:

ClinVar aggregate classification (germline): Likely pathogenic (1 of 4 stars; one submission).

Conditions:
Primary ciliary dyskinesia. Also called: Ciliary dyskinesia. Identifiers: Orphanet 244, MedGen C0008780, MONDO:0016575, HP:0012265.

Submission:

Natera, Inc.
Classification: Likely pathogenic for Primary ciliary dyskinesia. Last evaluated: 2025-08-05. Review status: criteria provided, single submitter. Criteria: Natera Variant Classification Schema (03/2026). Collection method: clinical testing. Allele origin: germline.
Comment: The c.1517_1518del variant in DNAI1 is a frameshift variant predicted to shift the reading frame beginning at codon 506 and leads to a stop codon 3 codons downstream. This variant is expected to result in nonsense mediated decay, truncation, or a dysfunctional protein product. This variant is rare in the general population with a frequency below the threshold expected for the associated phenotype(s). Given the available evidence, this variant is classified as Likely Pathogenic.

NM_012144.4(DNAI1):c.1517_1518del (p.Lys506fs)

Gene: DNAI1 (dynein axonemal intermediate chain 1; plus strand). Cytogenetic location: 9p13.3.
Variant type: Deletion.
Coding change: c.1517_1518del on transcript NM_012144.4 (MANE Select); coding-DNA positions 1517 to 1518, 2 bases deleted (AA; older notation c.1517_1518delAA).
Protein change: p.Lys506fs; shifts the reading frame from lysine 506.
Molecular consequence: frameshift variant.
Genome position (GRCh38, 1-based): chr9:34,513,139-34,513,140, AA deleted; deleting any 2 consecutive bases within chr9:34,513,138-34,513,140 gives the same sequence; the c. name uses the placement nearest the transcript's 3' end. VCF-style (leftmost placement, unchanged base first): chr9-34513137-CAA-C. GRCh37 (hg19) VCF-style: chr9-34513135-CAA-C.
Other names: c.1529_1530del, p.Lys510fs (NM_001281428.2); short protein forms K506fs, K510fs.
Identifiers: ClinVar variation 4815538 (VCV004815538.1).
Genomic context (GRCh38, chr9:34,513,137, plus strand): 5'-ACTGGGCTAAGCCTGCCCCTCCCTCTTTTCCCAAGGTTGTGGCACTGCCTTTGACTTCCA[CAA>C]AGAGATTGACTACATGTTCCTAGTGGGCACAGAGGAGGGAAAAATCTACAAGGTGAGGCT-3'